The following is an entry in ClinVar:

NM_001110556.2(FLNA):c.7244C>G (p.Pro2415Arg)

Gene: FLNA (filamin A; minus strand). Cytogenetic location: Xq28.
Variant type: single nucleotide variant.
Coding change: c.7244C>G on transcript NM_001110556.2 (MANE Select); coding-DNA position 7244, C replaced by G.
Protein change: p.Pro2415Arg; replaces proline 2415 with arginine.
Molecular consequence: missense variant.
Genome position (GRCh38, 1-based): chrX:154,350,120, G>C on the plus strand (C>G on the coding strand, the complement: FLNA is on the minus strand). VCF-style: chrX-154350120-G-C. GRCh37 (hg19) VCF-style: chrX-153578488-G-C.
Other names: c.7220C>G, p.Pro2407Arg (NM_001456.4); short protein forms P2407R, P2415R.
Identifiers: ClinVar variation 3381270 (VCV003381270.1).
Genomic context (GRCh38, chrX:154,350,120, plus strand): 5'-TAAGCAGACACCAAGCCTGGGTCCCCTCCATGCCCAGGCTCCCCAACTCGGATCTTGAAG[G>C]GGCTTCCAGGGATGTGGGTGCCGTTGAACTTGACGTCAATCAGGTAAACGCCATTCTCCC-3'
Protein context (NP_001104026.1, residues 2405-2425): KFNGTHIPGS[Pro2415Arg]FKIRVGEPGH

ClinVar aggregate classification (germline): Uncertain significance (1 of 4 stars; one submission).

Submission:

GeneDx
Classification: Uncertain significance. Last evaluated: 2024-05-21. Review status: criteria provided, single submitter. Criteria: GeneDx Variant Classification Process June 2021. Collection method: clinical testing. Allele origin: germline. Affected: yes.
Comment: Has not been previously published as pathogenic or benign to our knowledge; Not observed at significant frequency in large population cohorts (gnomAD); In silico analysis supports that this missense variant has a deleterious effect on protein structure/function